The following is an entry in ClinVar:

NM_001267550.2(TTN):c.90697C>T (p.Arg30233Ter)

Genes: TTN-AS1 (TTN antisense RNA 1; plus strand), TTN (titin; minus strand). Cytogenetic location: 2q31.2.
Variant type: single nucleotide variant.
Coding change: c.90697C>T on transcript NM_001267550.2 (MANE Select); coding-DNA position 90697, C replaced by T.
Protein change: p.Arg30233Ter; replaces arginine 30233 with a stop codon.
Molecular consequence: nonsense.
Genome position (GRCh38, 1-based): chr2:178,552,203, G>A on the plus strand (C>T on the coding strand, the complement: TTN is on the minus strand). VCF-style: chr2-178552203-G-A. GRCh37 (hg19) VCF-style: chr2-179416930-G-A.
Other names: c.90697C>T (NM_001267550.1); c.85774C>T, p.Arg28592Ter (NM_001256850.1); c.63502C>T, p.Arg21168Ter (NM_003319.4); c.82993C>T, p.Arg27665Ter (NM_133378.4); c.63877C>T, p.Arg21293Ter (NM_133432.3); c.64078C>T, p.Arg21360Ter (NM_133437.4); short protein forms R28592*, R30233*, R21168*, R21293*, R27665*, R21360*.
Identifiers: ClinVar variation 489066 (VCV000489066.42), dbSNP rs1553539391, ClinGen allele CA349509363.
Genomic context (GRCh38, chr2:178,552,203, plus strand): 5'-CATTATCTTCAGGTACATCCCATGACAGGATGACACTATCAGCCTTGATTTCATCAAATC[G>A]AATGGGTCCTTTGGGCTTTGATGGTGGGCCAAGGGTGATGACTGTAATGGGGACTGCAAT-3'

ClinVar aggregate classification (germline): Pathogenic/Likely pathogenic. Review status: criteria provided, multiple submitters, no conflicts (2 of 4 stars). 8 submissions from 8 submitters: Pathogenic (2); Likely pathogenic (5). 1 of the submissions does not count toward it. Last evaluated 2026-03-26.

Conditions:
Dilated cardiomyopathy 1G (CMD1G). Identifiers: Orphanet 154, MedGen C1858763, MONDO:0011400, OMIM 604145.
Autosomal recessive limb-girdle muscular dystrophy type 2J (LGMDR10). Also called: Limb-girdle muscular dystrophy, type 2J; MUSCULAR DYSTROPHY, LIMB-GIRDLE, AUTOSOMAL RECESSIVE 10. Identifiers: Orphanet 140922, MedGen C1837342, MONDO:0012127, OMIM 608807.
Cardiovascular phenotype. Identifiers: MedGen CN230736.

Allele frequency attached by ClinVar (database versions not stated): gnomAD exomes below 0.00001; TOPMed below 0.00001; gnomAD 0.00001.
gnomAD v4.1: 2 of 1,613,388 alleles (0.00012%); highest among the groups gnomAD compares: Non-Finnish European, 0.00017%; no homozygotes.

Submissions (8):

Dasa
Classification: Pathogenic. Last evaluated: 2026-03-26. Review status: criteria provided, single submitter. Criteria: DASA Assertion Criteria. Collection method: clinical testing. Allele origin: germline.
Comment: NM_001267550.2(TTN):c.90697C>T (p.Arg30233*) introduces a premature termination codon predicted to result in loss of normal protein function. Loss-of-function is an established mechanism of disease for this gene. This variant has been reported in individuals with related phenotype (PMID: 33996946). The variant is present at low frequency in population datasets. Based on the available data, this variant is classified as pathogenic.

GeneDx
Classification: Pathogenic. Last evaluated: 2026-01-09. Review status: criteria provided, single submitter. Criteria: GeneDx Variant Classification Process June 2021. Collection method: clinical testing. Allele origin: germline. Affected: yes.
Comment: Nonsense variant predicted to result in protein truncation or nonsense mediated decay in a gene for which loss of function is a known mechanism of disease; Not observed at significant frequency in large population cohorts (gnomAD); This variant is associated with the following publications: (PMID: 22335739, 32778822, 33996946, 39844436)

Molecular Diagnostic Laboratory for Inherited Cardiovascular Disease, Montreal Heart Institute
Classification: Likely pathogenic for Cardiovascular phenotype. Last evaluated: 2025-12-19. Review status: criteria provided, single submitter. Criteria: ACMG Guidelines, 2015. Collection method: clinical testing. Allele origin: germline. Affected: yes.
Comment: PVS1, PM2

Labcorp Genetics (formerly Invitae), Labcorp
Classification: Likely pathogenic for Dilated cardiomyopathy 1G; Autosomal recessive limb-girdle muscular dystrophy type 2J. Last evaluated: 2025-07-02. Review status: criteria provided, single submitter. Criteria: Invitae Variant Classification Sherloc (09022015). Collection method: clinical testing. Allele origin: germline.
Comment: This sequence change creates a premature translational stop signal (p.Arg30233*) in the TTN gene. While this is not anticipated to result in nonsense mediated decay, it is expected to create a truncated TTN protein. This variant is not present in population databases (gnomAD no frequency). This premature translational stop signal has been observed in individual(s) with dilated cardiomyopathy (PMID: 33996946). ClinVar contains an entry for this variant (Variation ID: 489066). This variant is located in the A band of TTN (PMID: 25589632). Truncating variants in this region are significantly overrepresented in patients affected with dilated cardiomyopathy (PMID: 25589632). Truncating variants in this region have also been reported in individuals affected with autosomal recessive centronuclear myopathy (PMID: 23975875). In summary, the currently available evidence indicates that the variant is pathogenic, but additional data are needed to prove that conclusively. Therefore, this variant has been classified as Likely Pathogenic.

Ambry Genetics
Classification: Likely pathogenic for Cardiovascular phenotype. Last evaluated: 2024-02-23. Review status: criteria provided, single submitter. Criteria: Ambry Variant Classification Scheme 2023. Collection method: clinical testing. Allele origin: germline.
Comment: The p.R21168* variant (also known as c.63502C>T), located in coding exon 162 of the TTN gene, results from a C to T substitution at nucleotide position 63502. This changes the amino acid from an arginine to a stop codon within coding exon 162. This exon is located in the A-band region of the N2-B isoform of the titin protein and is constitutively expressed in TTN transcripts (percent spliced in or PSI 100%). This alteration is expected to result in loss of function by premature protein truncation or nonsense-mediated mRNA decay. While truncating variants in TTN are present in 1-3% of the general population, truncating variants in the A-band are the most common cause of dilated cardiomyopathy (DCM) (Herman DS et al. N. Engl. J. Med., 2012 Feb;366:619-28; Roberts AM et al. Sci Transl Med, 2015 Jan;7:270ra6). TTN truncating variants encoded in constitutive exons (PSI >90%) have been found to be significantly associated with DCM regardless of their position in titin (Schafer S et al. Nat. Genet., 2017 01;49:46-53). This variant is considered to be rare based on population cohorts in the Genome Aggregation Database (gnomAD). Based on the majority of available evidence to date, this variant is likely to be pathogenic.

CeGaT Center for Human Genetics Tuebingen
Classification: Likely pathogenic. Last evaluated: 2023-11-01. Review status: criteria provided, single submitter. Criteria: CeGaT Center For Human Genetics Tuebingen Variant Classification Criteria Version 2. Collection method: clinical testing. Allele origin: germline. Affected: yes. Observed: 2 variant alleles.
Comment: TTN: PVS1:Strong, PM2

MGZ Medical Genetics Center
Classification: Likely pathogenic for Dilated cardiomyopathy 1G. Last evaluated: 2022-07-25. Review status: criteria provided, single submitter. Criteria: ACMG Guidelines, 2015. Collection method: clinical testing. Allele origin: germline. Affected: yes. Observed: 1 variant allele.
Comment: ACMG criteria applied: PVS1, PM2_SUP

Cardiogenetics and Myogenetics Molecular and Cellular Functional Unit, Aphp Sorbonne University-Hopital Pitie Salpetriere
Classification: Likely pathogenic for Dilated cardiomyopathy 1G. Last evaluated: 2024-01-06. Review status: no assertion criteria provided. Collection method: clinical testing. Allele origin: germline. Affected: yes. Not counted in ClinVar's aggregate classification.

Literature cited by the submitters: PubMed 33996946 (cited by Dasa and Labcorp Genetics (formerly Invitae), Labcorp); PubMed 25589632 (cited by Labcorp Genetics (formerly Invitae), Labcorp); PubMed 23975875 (cited by Labcorp Genetics (formerly Invitae), Labcorp).